The following is an entry in ClinVar:

ClinVar aggregate classification (germline): Conflicting classifications of pathogenicity. Review status: criteria provided, conflicting classifications (1 of 4 stars). 4 submissions from 2 submitters: Uncertain significance (2); Benign (1); Likely benign (1). Last evaluated 2025-11-15.

Conditions:
Congenital myopathy with fiber type disproportion. Also called: Congenital fiber-type disproportion myopathy; Congenital fiber-type disproportion. Identifiers: Orphanet 2020, MedGen C0546264, MONDO:0009711. Inheritance: all.
Actin accumulation myopathy (CMYO2A). Also called: CONGENITAL MYOPATHY 2A, TYPICAL, AUTOSOMAL DOMINANT; Myopathy, actin, congenital, with cores; Nemaline myopathy 3, with intranuclear rods; Nemaline myopathy type 3; Myopathy, actin, congenital, with excess of thin myofilaments. Identifiers: Orphanet 98904, MedGen C3711389, MONDO:0008070, OMIM 161800.
Familial restrictive cardiomyopathy (RCM). Identifiers: Orphanet 217635, MedGen C0340429, MONDO:0016340.

Allele frequency attached by ClinVar (database versions not stated): gnomAD 0.00001; ExAC 0.00002; gnomAD exomes 0.00002 and 0.00013; TOPMed 0.00002.
gnomAD v4.1: 180 of 1,614,038 alleles (0.011%); highest among the groups gnomAD compares: Non-Finnish European, 0.015%; no homozygotes.

Submissions (4):

Labcorp Genetics (formerly Invitae), Labcorp
Classification: Likely benign for Actin accumulation myopathy. Last evaluated: 2025-11-15. Review status: criteria provided, single submitter. Criteria: Invitae Variant Classification Sherloc (09022015). Collection method: clinical testing. Allele origin: germline.

Illumina Laboratory Services, Illumina
Classification: Uncertain significance for Familial restrictive cardiomyopathy. Last evaluated: 2018-03-16. Review status: criteria provided, single submitter. Criteria: ICSL Variant Classification Criteria 13 December 2019. Collection method: clinical testing. Allele origin: germline.

Illumina Laboratory Services, Illumina
Classification: Uncertain significance for Actin accumulation myopathy. Last evaluated: 2018-03-16. Review status: criteria provided, single submitter. Criteria: ICSL Variant Classification Criteria 13 December 2019. Collection method: clinical testing. Allele origin: germline.

Illumina Laboratory Services, Illumina
Classification: Benign for Congenital myopathy 4A, autosomal dominant. Last evaluated: 2018-03-14. Review status: criteria provided, single submitter. Criteria: ICSL Variant Classification Criteria 13 December 2019. Collection method: clinical testing. Allele origin: germline.
Comment: This variant was observed in the ICSL laboratory as part of a predisposition screen in an ostensibly healthy population. It had not been previously curated by ICSL or reported in the Human Gene Mutation Database (HGMD: prior to June 1st, 2018), and was therefore a candidate for classification through an automated scoring system. Utilizing variant allele frequency, disease prevalence and penetrance estimates, and inheritance mode, an automated score was calculated to assess if this variant is too frequent to cause the disease. Based on the score and internal cut-off values, a variant classified as benign is not then subjected to further curation. The score for this variant resulted in a classification of benign for this disease.

NM_001100.4(ACTA1):c.888T>C (p.Tyr296=)

Gene: ACTA1 (actin alpha 1, skeletal muscle; minus strand). Cytogenetic location: 1q42.13.
Variant type: single nucleotide variant.
Coding change: c.888T>C on transcript NM_001100.4 (MANE Select); coding-DNA position 888, T replaced by C.
Protein change: p.Tyr296=; no amino-acid change (tyrosine 296 retained).
Molecular consequence: synonymous variant.
Genome position (GRCh38, 1-based): chr1:229,431,823, A>G on the plus strand (T>C on the coding strand, the complement: ACTA1 is on the minus strand). VCF-style: chr1-229431823-A-G. GRCh37 (hg19) VCF-style: chr1-229567570-A-G.
Identifiers: ClinVar variation 740066 (VCV000740066.14), dbSNP rs770931836, ClinGen allele CA1442756.